The following is an entry in ClinVar:

NM_002471.4(MYH6):c.569G>A (p.Arg190His)

Genes: MYH6 (myosin heavy chain 6; minus strand), LOC114827851 (VISTA enhancer hs2155; plus strand). Cytogenetic location: 14q11.2.
Variant type: single nucleotide variant.
Coding change: c.569G>A on transcript NM_002471.4 (MANE Select); coding-DNA position 569, G replaced by A.
Protein change: p.Arg190His; replaces arginine 190 with histidine.
Molecular consequence: missense variant.
Genome position (GRCh38, 1-based): chr14:23,404,784, C>T on the plus strand (G>A on the coding strand, the complement: MYH6 is on the minus strand). VCF-style: chr14-23404784-C-T. GRCh37 (hg19) VCF-style: chr14-23873993-C-T.
Other names: short protein forms R190H.
Identifiers: ClinVar variation 942862 (VCV000942862.21), dbSNP rs1891729151, ClinGen allele CA389029615.
Genomic context (GRCh38, chr14:23,404,784, plus strand): 5'-GCATTGTCCTTCTTGCCACGGTCACCTATGGCTGCAATGCTGGCAAAGTACTGGATGACA[C>T]GCTTGGTGTTCACAGTCTTCCCCGCCCCGGATTCTCCCCTGGGGGCCACAGAGACCAATC-3'
Protein context (NP_002462.2, residues 180-200): SGAGKTVNTK[Arg190His]VIQYFASIAA

ClinVar aggregate classification (germline): Uncertain significance. Review status: criteria provided, multiple submitters, no conflicts (2 of 4 stars). 8 submissions from 8 submitters: Uncertain significance (5). 3 of the submissions do not count toward it. Last evaluated 2026-09-10.

Conditions:
Hypertrophic cardiomyopathy 14. Identifiers: MedGen C2750467, MONDO:0013197, OMIM 613251.
Cardiovascular phenotype. Identifiers: MedGen CN230736.
Sick sinus syndrome 3, susceptibility to (SSS3). Identifiers: Orphanet 166282, MedGen C3279791, MONDO:0013568, OMIM 614090.
Dilated cardiomyopathy 1EE (CMD1EE). Identifiers: Orphanet 154, MedGen C2750466, MONDO:0013198, OMIM 613252.
Hypertrophic cardiomyopathy 1 (CMH1). Also called: Familial hypertrophic cardiomyopathy 1; MYH7-Related Familial Hypertrophic Cardiomyopathy. Identifiers: MedGen C3495498, MONDO:0008647, OMIM 192600.
Atrial septal defect 3 (ASD3). Identifiers: Orphanet 1478, MedGen C3279790, MONDO:0013567, OMIM 614089.
MYH6-related disorder. Also called: MYH6-Related Disorders; MYH6-related condition.

Allele frequency attached by ClinVar (database versions not stated): gnomAD exomes 0.00001.
gnomAD v4.1: 15 of 1,614,170 alleles (0.00093%); highest among the groups gnomAD compares: South Asian, 0.0022%; no homozygotes.

Submissions (8):

PreventionGenetics, part of Exact Sciences
Classification: Uncertain significance for MYH6-related condition. Last evaluated: 2026-09-10. Review status: criteria provided, single submitter. Criteria: ACMG Guidelines, 2015. Collection method: clinical testing. Allele origin: germline.
Comment: The MYH6 c.569G>A variant is predicted to result in the amino acid substitution p.Arg190His. To our knowledge, this variant has not been reported in the literature or in a large population database (gnomAD), indicating this variant is rare. At this time, the clinical significance of this variant is uncertain due to the absence of conclusive functional and genetic evidence.

Labcorp Genetics (formerly Invitae), Labcorp
Classification: Uncertain significance for Hypertrophic cardiomyopathy 14. Last evaluated: 2026-01-28. Review status: criteria provided, single submitter. Criteria: Invitae Variant Classification Sherloc (09022015). Collection method: clinical testing. Allele origin: germline.
Comment: This sequence change replaces arginine, which is basic and polar, with histidine, which is basic and polar, at codon 190 of the MYH6 protein (p.Arg190His). This variant is not present in population databases (gnomAD no frequency). This variant has not been reported in the literature in individuals affected with MYH6-related conditions. ClinVar contains an entry for this variant (Variation ID: 942862). Invitae Evidence Modeling of protein sequence and biophysical properties (such as structural, functional, and spatial information, amino acid conservation, physicochemical variation, residue mobility, and thermodynamic stability) indicates that this missense variant is expected to disrupt MYH6 protein function with a positive predictive value of 80%. In summary, the available evidence is currently insufficient to determine the role of this variant in disease. Therefore, it has been classified as a Variant of Uncertain Significance.

Ambry Genetics
Classification: Uncertain significance for Cardiovascular phenotype. Last evaluated: 2025-08-06. Review status: criteria provided, single submitter. Criteria: Ambry Variant Classification Scheme 2023. Collection method: clinical testing. Allele origin: germline.
Comment: The p.R190H variant (also known as c.569G>A), located in coding exon 5 of the MYH6 gene, results from a G to A substitution at nucleotide position 569. The arginine at codon 190 is replaced by histidine, an amino acid with highly similar properties. This amino acid position is conserved. In addition, the in silico prediction for this alteration is inconclusive. Since supporting evidence is limited at this time, the clinical significance of this alteration remains unclear.

GeneDx
Classification: Uncertain significance. Last evaluated: 2022-10-21. Review status: criteria provided, single submitter. Criteria: GeneDx Variant Classification Process June 2021. Collection method: clinical testing. Allele origin: germline. Affected: yes.
Comment: Not observed at significant frequency in large population cohorts (gnomAD); In silico analysis supports that this missense variant has a deleterious effect on protein structure/function; Has not been previously published as pathogenic or benign to our knowledge

Fulgent Genetics
Classification: Uncertain significance for Hypertrophic cardiomyopathy 1; Hypertrophic cardiomyopathy 14; Dilated cardiomyopathy 1EE; Atrial septal defect 3; Sick sinus syndrome 3, susceptibility to. Last evaluated: 2021-09-19. Review status: criteria provided, single submitter. Criteria: ACMG Guidelines, 2015. Collection method: clinical testing. Allele origin: unknown.

Clinical Genetics DNA and cytogenetics Diagnostics Lab, Erasmus MC, Erasmus Medical Center
Classification: Uncertain significance. Review status: no assertion criteria provided. Collection method: clinical testing. Allele origin: germline. Affected: yes. Study: VKGL Data-share Consensus. Not counted in ClinVar's aggregate classification.

Diagnostic Laboratory, Department of Genetics, University Medical Center Groningen
Classification: Uncertain significance. Review status: no assertion criteria provided. Collection method: clinical testing. Allele origin: germline. Affected: yes. Study: VKGL Data-share Consensus. Not counted in ClinVar's aggregate classification.

Joint Genome Diagnostic Labs from Nijmegen and Maastricht, Radboudumc and MUMC+
Classification: Uncertain significance. Review status: no assertion criteria provided. Collection method: clinical testing. Allele origin: germline. Affected: yes. Study: VKGL Data-share Consensus. Not counted in ClinVar's aggregate classification.